The following is an entry in ClinVar:

NM_001378454.1(ALMS1):c.10338G>T (p.Glu3446Asp)

Gene: ALMS1 (ALMS1 centrosome and basal body associated protein; plus strand). Cytogenetic location: 2p13.1.
Variant type: single nucleotide variant.
Coding change: c.10338G>T on transcript NM_001378454.1 (MANE Select); coding-DNA position 10338, G replaced by T.
Protein change: p.Glu3446Asp; replaces glutamic acid 3446 with aspartic acid.
Molecular consequence: missense variant.
Genome position (GRCh38, 1-based): chr2:73,559,096, G>T. VCF-style: chr2-73559096-G-T. GRCh37 (hg19) VCF-style: chr2-73786223-G-T.
Other names: c.10341G>T, p.Glu3447Asp (NM_015120.4); short protein forms E3447D, E3446D.
Identifiers: ClinVar variation 459844 (VCV000459844.10), dbSNP rs928444733, ClinGen allele CA50376662.

ClinVar aggregate classification (germline): Conflicting classifications of pathogenicity. Review status: criteria provided, conflicting classifications (1 of 4 stars). 3 submissions from 3 submitters: Uncertain significance (1); Likely benign (1). 1 of the submissions does not count toward it. Last evaluated 2025-08-14.

Conditions:
Cardiovascular phenotype. Identifiers: MedGen CN230736.
Alstrom syndrome (ALMS). Identifiers: Orphanet 64, MedGen C0268425, MONDO:0008763, OMIM 203800.

Allele frequency attached by ClinVar (database versions not stated): gnomAD 0.00001; gnomAD exomes 0.00002 and 0.00005; TOPMed 0.00002.
gnomAD v4.1: 72 of 1,613,816 alleles (0.0045%); highest among the groups gnomAD compares: Non-Finnish European, 0.0059%; no homozygotes.

Submissions (3):

Ambry Genetics
Classification: Likely benign for Cardiovascular phenotype. Last evaluated: 2025-08-14. Review status: criteria provided, single submitter. Criteria: Ambry Variant Classification Scheme 2023. Collection method: clinical testing. Allele origin: germline.

Labcorp Genetics (formerly Invitae), Labcorp
Classification: Uncertain significance for Alstrom syndrome. Last evaluated: 2024-01-24. Review status: criteria provided, single submitter. Criteria: Invitae Variant Classification Sherloc (09022015). Collection method: clinical testing. Allele origin: germline.
Comment: This sequence change replaces glutamic acid, which is acidic and polar, with aspartic acid, which is acidic and polar, at codon 3447 of the ALMS1 protein (p.Glu3447Asp). This variant is present in population databases (no rsID available, gnomAD 0.004%). This variant has not been reported in the literature in individuals affected with ALMS1-related conditions. ClinVar contains an entry for this variant (Variation ID: 459844). Experimental studies and prediction algorithms are not available or were not evaluated, and the functional significance of this variant is currently unknown. In summary, the available evidence is currently insufficient to determine the role of this variant in disease. Therefore, it has been classified as a Variant of Uncertain Significance.

Natera, Inc.
Classification: Uncertain significance for Alstrom syndrome. Last evaluated: 2021-08-09. Review status: no assertion criteria provided. Collection method: clinical testing. Allele origin: germline. Not counted in ClinVar's aggregate classification.